The following is an entry in ClinVar:

NM_018685.5(ANLN):c.1632T>C (p.Ile544=)

Gene: ANLN (anillin, actin binding protein; plus strand). Cytogenetic location: 7p14.2.
Variant type: single nucleotide variant.
Coding change: c.1632T>C on transcript NM_018685.5 (MANE Select); coding-DNA position 1632, T replaced by C.
Protein change: p.Ile544=; no amino-acid change (isoleucine 544 retained).
Molecular consequence: synonymous variant. On other transcripts: intron variant (2).
Genome position (GRCh38, 1-based): chr7:36,417,189, T>C. VCF-style: chr7-36417189-T-C. GRCh37 (hg19) VCF-style: chr7-36456798-T-C.
Other names: c.1632T>C (NM_018685.4); c.1522+1305T>C (NM_001284301.3, NM_001284302.3).
Identifiers: ClinVar variation 2413707 (VCV002413707.9), dbSNP rs201617718, ClinGen allele CA157083750.

ClinVar aggregate classification (germline): Uncertain significance. Review status: criteria provided, single submitter (1 of 4 stars). 2 submissions from 2 submitters: Uncertain significance (1). 1 of the submissions does not count toward it. Last evaluated 2025-09-14.

Conditions:
ANLN-related disorder. Also called: ANLN-related condition.

Allele frequency attached by ClinVar (database versions not stated): gnomAD 0.00003.
gnomAD v4.1: 21 of 1,573,916 alleles (0.0013%); highest among the groups gnomAD compares: Admixed American, 0.022%; no homozygotes.

Submissions (2):

Labcorp Genetics (formerly Invitae), Labcorp
Classification: Uncertain significance. Last evaluated: 2025-09-14. Review status: criteria provided, single submitter. Criteria: Invitae Variant Classification Sherloc (09022015). Collection method: clinical testing. Allele origin: germline.
Comment: This sequence change affects codon 544 of the ANLN mRNA. It is a 'silent' change, meaning that it does not change the encoded amino acid sequence of the ANLN protein. It affects a nucleotide within the consensus splice site. This variant is present in population databases (rs201617718, gnomAD 0.03%). This variant has not been reported in the literature in individuals affected with ANLN-related conditions. ClinVar contains an entry for this variant (Variation ID: 2413707). Algorithms developed to predict the effect of sequence changes on RNA splicing suggest that this variant is not likely to affect RNA splicing. In summary, the available evidence is currently insufficient to determine the role of this variant in disease. Therefore, it has been classified as a Variant of Uncertain Significance.

PreventionGenetics, part of Exact Sciences
Classification: Likely benign for ANLN-related condition. Last evaluated: 2020-10-14. Review status: no assertion criteria provided. Collection method: clinical testing. Allele origin: germline. Not counted in ClinVar's aggregate classification.
Comment: This variant is classified as likely benign based on ACMG/AMP sequence variant interpretation guidelines (Richards et al. 2015 PMID: 25741868, with internal and published modifications).